The following is an entry in ClinVar:

NM_001365999.1(SZT2):c.2422C>A (p.Pro808Thr)

Gene: SZT2 (SZT2 subunit of KICSTOR complex; plus strand). Cytogenetic location: 1p34.2.
Variant type: single nucleotide variant.
Coding change: c.2422C>A on transcript NM_001365999.1 (MANE Select); coding-DNA position 2422, C replaced by A.
Protein change: p.Pro808Thr; replaces proline 808 with threonine.
Molecular consequence: missense variant.
Genome position (GRCh38, 1-based): chr1:43,424,383, C>A. VCF-style: chr1-43424383-C-A. GRCh37 (hg19) VCF-style: chr1-43890054-C-A.
Other names: c.2422C>A, p.Pro808Thr (NM_015284.4); short protein forms P808T.
Identifiers: ClinVar variation 968594 (VCV000968594.1), dbSNP rs776936594, ClinGen allele CA340012863.

ClinVar aggregate classification (germline): Uncertain significance (1 of 4 stars; one submission).

Submission:

Labcorp Genetics (formerly Invitae), Labcorp
Classification: Uncertain significance. Last evaluated: 2019-11-11. Review status: criteria provided, single submitter. Criteria: Invitae Variant Classification Sherloc (09022015). Collection method: clinical testing. Allele origin: germline.
Comment: This sequence change replaces proline with threonine at codon 808 of the SZT2 protein (p.Pro808Thr). The proline residue is moderately conserved and there is a small physicochemical difference between proline and threonine. This variant is not present in population databases (ExAC no frequency). This variant has not been reported in the literature in individuals with SZT2-related conditions. Algorithms developed to predict the effect of missense changes on protein structure and function are either unavailable or do not agree on the potential impact of this missense change (SIFT: "Tolerated"; PolyPhen-2: "Probably Damaging"; Align-GVGD: "Class C0"). In summary, the available evidence is currently insufficient to determine the role of this variant in disease. Therefore, it has been classified as a Variant of Uncertain Significance.